The following is an entry in ClinVar:

ClinVar aggregate classification (germline): Benign/Likely benign. Review status: criteria provided, multiple submitters, no conflicts (2 of 4 stars). 23 submissions from 20 submitters: Benign (12); Likely benign (9). 2 of the submissions do not count toward it. Last evaluated 2026-10-01.

Conditions:
Hereditary cancer-predisposing syndrome. Also called: Neoplastic Syndromes, Hereditary; Hereditary neoplastic syndrome; Hereditary Cancer Syndrome; Tumor predisposition. Identifiers: Orphanet 140162, MedGen C0027672, MeSH D009386, MONDO:0015356.
Juvenile myelomonocytic leukemia (JMML). Also called: LEUKEMIA, JUVENILE MYELOMONOCYTIC, SOMATIC. Identifiers: Orphanet 86834, MedGen C0349639, MONDO:0011908, OMIM 607785, HP:0012209.
Neurofibromatosis-Noonan syndrome (NFNS). Also called: NEUROFIBROMATOSIS WITH NOONAN PHENOTYPE. Identifiers: Orphanet 638, MedGen C2931482, MONDO:0011035, OMIM 601321. Disease mechanism: loss of function.
Café-au-lait macules with pulmonary stenosis (WTSN). Also called: PULMONIC STENOSIS WITH CAFE-AU-LAIT SPOTS. Identifiers: MedGen C0553586, MONDO:0008672, OMIM 193520.
Neurofibromatosis, type 1 (NF1). Also called: Neurofibromatosis, type I; VON RECKLINGHAUSEN DISEASE; NEUROFIBROMATOSIS, TYPE I, SOMATIC; Peripheral type neurofibromatosis. Identifiers: Orphanet 636, MedGen C0027831, MONDO:0018975, OMIM 162200. Disease mechanism: loss of function.
Neurofibromatosis, familial spinal (FSNF). Identifiers: Orphanet 636, MedGen C1834235, MONDO:0008078, OMIM 162210. Disease mechanism: loss of function.

Allele frequency attached by ClinVar (database versions not stated): gnomAD 0.00208 and 0.00195; ExAC 0.00370; TOPMed 0.00380; ESP Exome Variant Server 0.00054; 1000 Genomes Project 0.00300; 1000 Genomes Project 30x 0.00375; gnomAD exomes 0.00107 and 0.00492.
gnomAD v4.1: 1,889 of 1,614,152 alleles (0.12%); highest among the groups gnomAD compares: Admixed American, 2.9%; 41 homozygotes.

Submissions (23):

CeGaT Center for Human Genetics Tuebingen
Classification: Benign. Last evaluated: 2026-10-01. Review status: criteria provided, single submitter. Criteria: CeGaT Center For Human Genetics Tuebingen Variant Classification Criteria Version 2. Collection method: clinical testing. Allele origin: germline. Affected: yes. Observed: 40 variant alleles.
Comment: NF1: PP2, BP4, BS1, BS2

Myriad Genetics, Inc.
Classification: Likely benign for Neurofibromatosis, type 1. Last evaluated: 2026-05-13. Review status: criteria provided, single submitter. Criteria: Myriad Autosomal Dominant, Autosomal Recessive and X-Linked Classification Criteria (2023). Collection method: clinical testing. Allele origin: unknown.
Comment: This variant is considered likely benign. This variant has been observed at a population frequency that is significantly greater than expected given the associated disease prevalence and penetrance.

Labcorp Genetics (formerly Invitae), Labcorp
Classification: Benign for Neurofibromatosis, type 1. Last evaluated: 2026-02-03. Review status: criteria provided, single submitter. Criteria: Invitae Variant Classification Sherloc (09022015). Collection method: clinical testing. Allele origin: germline.

Dasa
Classification: Benign. Last evaluated: 2025-11-06. Review status: criteria provided, single submitter. Criteria: DASA Assertion Criteria. Collection method: clinical testing. Allele origin: germline.
Comment: NM_001042492.3(NF1):c.5035A>G (p.Ile1679Val) is a missense variant that results in the substitution of isoleucine with valine. Population frequency is inconsistent with a disease-causing role for this variant, and observations in unaffected individuals support a benign interpretation. Computational prediction algorithms are consistent with a benign effect. Therefore, based on the currently available evidence, this variant is classified as benign.

ARUP Laboratories, Molecular Genetics and Genomics, ARUP Laboratories
Classification: Benign. Last evaluated: 2025-04-18. Review status: criteria provided, single submitter. Criteria: ARUP Molecular Germline Variant Investigation Process 2024. Collection method: clinical testing. Allele origin: germline.

Mayo Clinic Laboratories, Mayo Clinic
Classification: Benign. Last evaluated: 2025-03-28. Review status: criteria provided, single submitter. Criteria: ACMG Guidelines, 2015. Collection method: clinical testing. Allele origin: germline. Observed: 10 variant alleles.
Comment: BS1, BS2, BP4

Center for Genomic Medicine, Rigshospitalet, Copenhagen University Hospital
Classification: Benign. Last evaluated: 2025-03-04. Review status: criteria provided, single submitter. Criteria: ACMG Guidelines, 2015. Collection method: clinical testing. Allele origin: germline.

Genome-Nilou Lab
Classification: Likely benign for Neurofibromatosis, type 1. Last evaluated: 2022-03-15. Review status: criteria provided, single submitter. Criteria: ACMG Guidelines, 2015. Collection method: clinical testing. Allele origin: germline. Affected: no.

Fulgent Genetics
Classification: Likely benign for Neurofibromatosis, type 1; Neurofibromatosis, familial spinal; Café-au-lait macules with pulmonary stenosis; Neurofibromatosis-Noonan syndrome; Juvenile myelomonocytic leukemia. Last evaluated: 2021-11-12. Review status: criteria provided, single submitter. Criteria: ACMG Guidelines, 2015. Collection method: clinical testing. Allele origin: unknown.

Genome Diagnostics Laboratory, The Hospital for Sick Children
Classification: Benign for Neurofibromatosis, type 1. Last evaluated: 2020-10-26. Review status: criteria provided, single submitter. Criteria: ACMG Guidelines, 2015. Collection method: clinical testing. Allele origin: germline. Affected: yes.

Women's Health and Genetics/Laboratory Corporation of America, LabCorp
Classification: Benign. Last evaluated: 2018-12-05. Review status: criteria provided, single submitter. Criteria: LabCorp Variant Classification Summary - May 2015. Collection method: clinical testing. Allele origin: germline.
Comment: Variant summary: The variant, NF1 c.4972A>G (p.Ile1658Val) results in a conservative amino acid change located in the CRAL-TRIO lipid binding domain of the encoded protein sequence. Four of five in-silico tools predict a benign effect of the variant on protein function. The variant allele was found at a frequency of 0.0045 in 277174 control chromosomes, predominantly at a frequency of 0.034 within the Latino subpopulation in the gnomAD database, including 31 homozygotes. The observed variant frequency within Latino control individuals in the gnomAD database is approximately 163.18 fold of the estimated maximal expected allele frequency for a pathogenic variant in NF1 causing Neurofibromatosis Type 1 phenotype (0.00021), strongly suggesting that the variant is a benign polymorphism found primarily in populations of Latino origin. The variant, c.4972A>G has been reported in the literature in individuals affected with Neurofibromatosis Type 1, in which a nonsense mutation was reported to co-occur in the patient (Xu _2014), providing supporting evidence for a benign role of the variant. To our knowledge, no experimental evidence demonstrating an impact on protein function has been reported. Seven clinical diagnostic laboratories have submitted clinical-significance assessments for this variant to ClinVar after 2014 without evidence for independent evaluation. All laboratories classified the variant as as benign (5X) or likely benign (2X). Based on the evidence outlined above, the variant was classified as benign.

Illumina Laboratory Services, Illumina
Classification: Likely benign for Neurofibromatosis-Noonan syndrome. Last evaluated: 2017-04-28. Review status: criteria provided, single submitter. Criteria: ICSL Variant Classification Criteria 13 December 2019. Collection method: clinical testing. Allele origin: germline.
Comment: This variant was observed as part of a predisposition screen in an ostensibly healthy population. A literature search was performed for the gene, cDNA change, and amino acid change (where applicable). No publications were found based on this search. Allele frequency data from public databases allowed determination this variant is unlikely to cause disease. Therefore, this variant is classified as likely benign.

Illumina Laboratory Services, Illumina
Classification: Likely benign for Neurofibromatosis, type 1. Last evaluated: 2017-04-28. Review status: criteria provided, single submitter. Criteria: ICSL Variant Classification Criteria 13 December 2019. Collection method: clinical testing. Allele origin: germline.
Comment: This variant was observed as part of a predisposition screen in an ostensibly healthy population. A literature search was performed for the gene, cDNA change, and amino acid change (where applicable). Publications were found based on this search. The evidence from the literature, in combination with allele frequency data from public databases where available, was sufficient to determine this variant is unlikely to cause disease. Therefore, this variant is classified as likely benign.

Illumina Laboratory Services, Illumina
Classification: Likely benign for Neurofibromatosis, familial spinal. Last evaluated: 2017-04-28. Review status: criteria provided, single submitter. Criteria: ICSL Variant Classification Criteria 13 December 2019. Collection method: clinical testing. Allele origin: germline.
Comment: the same text as in the submission from Illumina Laboratory Services, Illumina above.

Illumina Laboratory Services, Illumina
Classification: Likely benign for Café-au-lait macules with pulmonary stenosis. Last evaluated: 2017-04-28. Review status: criteria provided, single submitter. Criteria: ICSL Variant Classification Criteria 13 December 2019. Collection method: clinical testing. Allele origin: germline.
Comment: the same text as in the submission from Illumina Laboratory Services, Illumina above.

Center for Human Genetics, Inc
Classification: Likely benign for Neurofibromatosis, type 1. Last evaluated: 2016-11-01. Review status: criteria provided, single submitter. Criteria: ACMG Guidelines, 2015. Collection method: clinical testing. Allele origin: germline. Affected: yes.

GeneDx
Classification: Benign. Last evaluated: 2016-07-07. Review status: criteria provided, single submitter. Criteria: GeneDx Variant Classification (06012015). Collection method: clinical testing. Allele origin: germline. Affected: yes.
Comment: This variant is considered likely benign or benign based on one or more of the following criteria: it is a conservative change, it occurs at a poorly conserved position in the protein, it is predicted to be benign by multiple in silico algorithms, and/or has population frequency not consistent with disease.

Laboratory for Molecular Medicine, Mass General Brigham Personalized Medicine
Classification: Benign. Last evaluated: 2016-06-02. Review status: criteria provided, single submitter. Criteria: LMM Criteria. Collection method: clinical testing. Allele origin: germline. Observed: 6 variant alleles.
Comment: p.Ile1679Val in exon 37 of NF1: This variant is not expected to have clinical si gnificance because it has been identified in 3.8% (435/11578) of Latino chromoso mes, including 16 homozygous individuals by the Exome Aggregation Consortium (Ex AC; dbSNP rs147327414).

Ambry Genetics
Classification: Benign for Hereditary cancer-predisposing syndrome. Last evaluated: 2015-01-22. Review status: criteria provided, single submitter. Criteria: Ambry Autosomal Dominant and X-Linked criteria (10/2015). Collection method: clinical testing. Allele origin: germline. Observed: 1 variant allele.
Comment: General population or subpopulation frequency is too high to be a pathogenic mutation based on disease/syndrome prevalence and penetrance;In silico models in agreement (benign)

Breakthrough Genomics
Classification: Likely benign. Review status: criteria provided, single submitter. Criteria: ACMG Guidelines, 2015. Collection method: not provided. Allele origin: germline. Inheritance: Autosomal dominant inheritance. Affected: yes.

PreventionGenetics, part of Exact Sciences
Classification: Benign. Review status: criteria provided, single submitter. Criteria: ACMG Guidelines, 2015. Collection method: clinical testing. Allele origin: germline.

ITMI
No classification provided. Condition: AllHighlyPenetrant. Last evaluated: 2013-09-19. Review status: no classification provided. Collection method: reference population. Allele origin: germline. Not counted in ClinVar's aggregate classification.
Comment: Please see associated publication for description of ethnicities

Biesecker Lab/Clinical Genomics Section, National Institutes of Health
Classification: Uncertain significance. Last evaluated: 2012-07-13. Review status: no assertion criteria provided. Collection method: research. Allele origin: germline. Affected: no. Observed: 2 variant alleles. Study: ClinSeq. Not counted in ClinVar's aggregate classification.
ClinVar note: Converted during submission from variant of unknown significance to Uncertain significance.

Literature cited by the submitters: PubMed 24789688 (cited by Women's Health and Genetics/Laboratory Corporation of America, LabCorp and Illumina Laboratory Services, Illumina); PubMed 24728327 (cited by Women's Health and Genetics/Laboratory Corporation of America, LabCorp and ITMI).

NM_001042492.3(NF1):c.5035A>G (p.Ile1679Val)

Gene: NF1 (neurofibromin 1; plus strand). Cytogenetic location: 17q11.2.
Variant type: single nucleotide variant.
Coding change: c.5035A>G on transcript NM_001042492.3 (MANE Select); coding-DNA position 5035, A replaced by G.
Protein change: p.Ile1679Val; replaces isoleucine 1679 with valine.
Molecular consequence: missense variant.
Genome position (GRCh38, 1-based): chr17:31,326,019, A>G. VCF-style: chr17-31326019-A-G. GRCh37 (hg19) VCF-style: chr17-29653037-A-G.
Other names: c.4972A>G, p.Ile1658Val (NM_000267.4); short protein forms I1658V, I1679V.
Identifiers: ClinVar variation 41672 (VCV000041672.62), dbSNP rs147327414, ClinGen allele CA161045.